The following is an entry in ClinVar:

ClinVar aggregate classification (germline): Uncertain significance (1 of 4 stars; one submission).

Allele frequency attached by ClinVar (database versions not stated): 1000 Genomes Project 0.00020; gnomAD 0.00001; 1000 Genomes Project 30x 0.00016.
gnomAD v4.1: 4 of 1,614,044 alleles (0.00025%); highest among the groups gnomAD compares: Non-Finnish European, 0.00034%; no homozygotes.

Submission:

Labcorp Genetics (formerly Invitae), Labcorp
Classification: Uncertain significance. Last evaluated: 2025-02-26. Review status: criteria provided, single submitter. Criteria: Invitae Variant Classification Sherloc (09022015). Collection method: clinical testing. Allele origin: germline.
Comment: This sequence change replaces serine, which is neutral and polar, with arginine, which is basic and polar, at codon 1230 of the FN1 protein (p.Ser1230Arg). This variant is present in population databases (rs144652143, gnomAD 0.003%). This variant has not been reported in the literature in individuals affected with FN1-related conditions. ClinVar contains an entry for this variant (Variation ID: 1469774). An algorithm developed to predict the effect of missense changes on protein structure and function (PolyPhen-2) suggests that this variant is likely to be tolerated. In summary, the available evidence is currently insufficient to determine the role of this variant in disease. Therefore, it has been classified as a Variant of Uncertain Significance.

NM_212482.4(FN1):c.3690C>A (p.Ser1230Arg)

Gene: FN1 (fibronectin 1; minus strand). Cytogenetic location: 2q35.
Variant type: single nucleotide variant.
Coding change: c.3690C>A on transcript NM_212482.4 (MANE Select); coding-DNA position 3690, C replaced by A.
Protein change: p.Ser1230Arg; replaces serine 1230 with arginine.
Molecular consequence: missense variant.
Genome position (GRCh38, 1-based): chr2:215,394,634, G>T on the plus strand (C>A on the coding strand, the complement: FN1 is on the minus strand). VCF-style: chr2-215394634-G-T. GRCh37 (hg19) VCF-style: chr2-216259357-G-T.
Other names: c.3690C>A, p.Ser1230Arg (NM_001306129.2, NM_001306130.2, NM_001306131.2 and 13 more transcripts); short protein forms S1230R.
Identifiers: ClinVar variation 1469774 (VCV001469774.8), dbSNP rs144652143, ClinGen allele CA2094648.